The following is an entry in ClinVar:

ClinVar aggregate classification (germline): Uncertain significance. Review status: criteria provided, multiple submitters, no conflicts (2 of 4 stars). 2 submissions from 2 submitters: Uncertain significance (2). Last evaluated 2025-07-05.

Conditions:
Von Hippel-Lindau syndrome (VHLS). Also called: VHL syndrome; von Hippel–Lindau syndrome; Von Hippel-Lindau. Identifiers: Orphanet 892, MedGen C0019562, MONDO:0008667, OMIM 193300. Disease mechanism: loss of function.
Chuvash polycythemia. Also called: POLYCYTHEMIA, VHL-DEPENDENT. Identifiers: Orphanet 238557, MedGen C1837915, MONDO:0009892, OMIM 263400.

Submissions (2):

Color Diagnostics, LLC DBA Color Health
Classification: Uncertain significance for Von Hippel-Lindau syndrome. Last evaluated: 2025-07-05. Review status: criteria provided, single submitter. Criteria: ACMG Guidelines, 2015. Collection method: clinical testing. Allele origin: germline.
Comment: This variant causes an in-frame duplication of 5 amino acids from alanine 15 to glycine 19 in the VHL protein. To our knowledge, functional studies have not been reported for this variant. This variant has not been reported in individuals affected with VHL-related disorders in the literature. This variant has been identified in 1/140268 chromosomes in the general population by the Genome Aggregation Database (gnomAD). The available evidence is insufficient to determine the role of this variant in disease conclusively. Therefore, this variant is classified as a Variant of Uncertain Significance.

Labcorp Genetics (formerly Invitae), Labcorp
Classification: Uncertain significance for Von Hippel-Lindau syndrome; Chuvash polycythemia. Last evaluated: 2024-02-23. Review status: criteria provided, single submitter. Criteria: Invitae Variant Classification Sherloc (09022015). Collection method: clinical testing. Allele origin: germline.
Comment: This variant, c.44_58dup, results in the insertion of 5 amino acid(s) of the VHL protein (p.Ala15_Gly19dup), but otherwise preserves the integrity of the reading frame. This variant is present in population databases (no rsID available, gnomAD 0.002%). This variant has not been reported in the literature in individuals affected with VHL-related conditions. In summary, the available evidence is currently insufficient to determine the role of this variant in disease. Therefore, it has been classified as a Variant of Uncertain Significance.

NM_000551.4(VHL):c.44_58dup (p.Gly19_Val20insAlaGluGluAlaGly)

Gene: VHL (von Hippel-Lindau tumor suppressor; plus strand). Cytogenetic location: 3p25.3.
Variant type: Duplication.
Coding change: c.44_58dup on transcript NM_000551.4 (MANE Select); coding-DNA positions 44 to 58, 15 bases duplicated (CGGAGGAGGCAGGCG).
Protein change: p.Gly19_Val20insAlaGluGluAlaGly.
Molecular consequence: inframe insertion. On other transcripts: non-coding transcript variant (1).
Genome position (GRCh38, 1-based): chr3:10,141,891-10,141,905, CGGAGGAGGCAGGCG duplicated; duplicating any 15 consecutive bases within chr3:10,141,886-10,141,905 gives the same sequence; the c. name uses the placement nearest the transcript's 3' end. VCF-style (leftmost placement, unchanged base first): chr3-10141885-T-TAGGCGCGGAGGAGGC. GRCh37 (hg19) VCF-style: chr3-10183569-T-TAGGCGCGGAGGAGGC.
Other names: c.44_58dup, p.Gly19_Val20insAlaGluGluAlaGly (NM_001354723.2, NM_198156.3).
Identifiers: ClinVar variation 3752464 (VCV003752464.3).